The following is an entry in ClinVar:

NM_002335.4(LRP5):c.1324G>A (p.Val442Met)

Gene: LRP5 (LDL receptor related protein 5; plus strand). Cytogenetic location: 11q13.2.
Variant type: single nucleotide variant.
Coding change: c.1324G>A on transcript NM_002335.4 (MANE Select); coding-DNA position 1324, G replaced by A.
Protein change: p.Val442Met; replaces valine 442 with methionine.
Molecular consequence: missense variant. On other transcripts: 5 prime UTR variant (1).
Genome position (GRCh38, 1-based): chr11:68,386,624, G>A. VCF-style: chr11-68386624-G-A. GRCh37 (hg19) VCF-style: chr11-68154092-G-A.
Other names: c.-442G>A (NM_001291902.2); short protein forms V442M.
Identifiers: ClinVar variation 1997580 (VCV001997580.4), dbSNP rs2496599904, ClinGen allele CA381612707.

ClinVar aggregate classification (germline): Uncertain significance (1 of 4 stars; one submission).

Submission:

Labcorp Genetics (formerly Invitae), Labcorp
Classification: Uncertain significance. Last evaluated: 2025-03-17. Review status: criteria provided, single submitter. Criteria: Invitae Variant Classification Sherloc (09022015). Collection method: clinical testing. Allele origin: germline.
Comment: This sequence change replaces valine, which is neutral and non-polar, with methionine, which is neutral and non-polar, at codon 442 of the LRP5 protein (p.Val442Met). This variant is not present in population databases (gnomAD no frequency). This variant has not been reported in the literature in individuals affected with LRP5-related conditions. ClinVar contains an entry for this variant (Variation ID: 1997580). Invitae Evidence Modeling of protein sequence and biophysical properties (such as structural, functional, and spatial information, amino acid conservation, physicochemical variation, residue mobility, and thermodynamic stability) indicates that this missense variant is expected to disrupt LRP5 protein function with a positive predictive value of 80%. In summary, the available evidence is currently insufficient to determine the role of this variant in disease. Therefore, it has been classified as a Variant of Uncertain Significance.